The following is an entry in ClinVar:

NM_001261826.3(AP3D1):c.2200C>T (p.Arg734Trp)

Gene: AP3D1 (adaptor related protein complex 3 subunit delta 1; minus strand). Cytogenetic location: 19p13.3.
Variant type: single nucleotide variant.
Coding change: c.2200C>T on transcript NM_001261826.3 (MANE Select); coding-DNA position 2200, C replaced by T.
Protein change: p.Arg734Trp; replaces arginine 734 with tryptophan.
Molecular consequence: missense variant.
Genome position (GRCh38, 1-based): chr19:2,115,368, G>A on the plus strand (C>T on the coding strand, the complement: AP3D1 is on the minus strand). VCF-style: chr19-2115368-G-A. GRCh37 (hg19) VCF-style: chr19-2115367-G-A.
Other names: c.2200C>T (NM_003938.5); c.2200C>T, p.Arg734Trp (NM_001374799.1, NM_003938.8); short protein forms R734W.
Identifiers: ClinVar variation 2186098 (VCV002186098.5), dbSNP rs762220122, ClinGen allele CA9058960.

ClinVar aggregate classification (germline): Uncertain significance. Review status: criteria provided, multiple submitters, no conflicts (2 of 4 stars). 2 submissions from 2 submitters: Uncertain significance (2). Last evaluated 2024-11-13.

Conditions:
Inborn genetic diseases. Identifiers: MedGen C0950123, MeSH D030342.

Allele frequency attached by ClinVar (database versions not stated): gnomAD 0.00001; TOPMed 0.00002; ExAC 0.00003; gnomAD exomes 0.00003.
gnomAD v4.1: 47 of 1,606,710 alleles (0.0029%); highest among the groups gnomAD compares: Admixed American, 0.0033%; no homozygotes.

Submissions (2):

Ambry Genetics
Classification: Uncertain significance for Inborn genetic diseases. Last evaluated: 2024-11-13. Review status: criteria provided, single submitter. Criteria: Ambry Variant Classification Scheme 2023. Collection method: clinical testing. Allele origin: germline.

Labcorp Genetics (formerly Invitae), Labcorp
Classification: Uncertain significance. Last evaluated: 2023-04-27. Review status: criteria provided, single submitter. Criteria: Invitae Variant Classification Sherloc (09022015). Collection method: clinical testing. Allele origin: germline.
Comment: This variant has not been reported in the literature in individuals affected with AP3D1-related conditions. This variant is present in population databases (rs762220122, gnomAD 0.01%). This sequence change replaces arginine, which is basic and polar, with tryptophan, which is neutral and slightly polar, at codon 734 of the AP3D1 protein (p.Arg734Trp). ClinVar contains an entry for this variant (Variation ID: 2186098). In summary, the available evidence is currently insufficient to determine the role of this variant in disease. Therefore, it has been classified as a Variant of Uncertain Significance. An algorithm developed to predict the effect of missense changes on protein structure and function (PolyPhen-2) suggests that this variant is likely to be disruptive.